The following is an entry in ClinVar:

NM_001127208.3(TET2):c.2500T>C (p.Cys834Arg)

Genes: TET2 (tet methylcytosine dioxygenase 2; plus strand), TET2-AS1 (TET2 antisense RNA 1; minus strand). Cytogenetic location: 4q24.
Variant type: single nucleotide variant.
Coding change: c.2500T>C on transcript NM_001127208.3 (MANE Select); coding-DNA position 2500, T replaced by C.
Protein change: p.Cys834Arg; replaces cysteine 834 with arginine.
Molecular consequence: missense variant.
Genome position (GRCh38, 1-based): chr4:105,236,442, T>C. VCF-style: chr4-105236442-T-C. GRCh37 (hg19) VCF-style: chr4-106157599-T-C.
Other names: c.2500T>C, p.Cys834Arg (NM_017628.4); short protein forms C834R.
Identifiers: ClinVar variation 3967628 (VCV003967628.1).

ClinVar aggregate classification (germline): Uncertain significance (1 of 4 stars; one submission).

Submission:

Ambry Genetics
Classification: Uncertain significance. Last evaluated: 2025-05-15. Review status: criteria provided, single submitter. Criteria: Ambry Variant Classification Scheme 2023. Collection method: clinical testing. Allele origin: germline.
Comment: The p.C834R variant (also known as c.2500T>C), located in coding exon 1 of the TET2 gene, results from a T to C substitution at nucleotide position 2500. The cysteine at codon 834 is replaced by arginine, an amino acid with highly dissimilar properties. This amino acid position is conserved. In addition, this alteration is predicted to be tolerated by in silico analysis. Based on the available evidence, the clinical significance of this variant remains unclear.